The following is an entry in ClinVar:

NM_001080517.3(SETD5):c.2662A>C (p.Met888Leu)

Gene: SETD5 (SET domain containing 5; plus strand). Cytogenetic location: 3p25.3.
Variant type: single nucleotide variant.
Coding change: c.2662A>C on transcript NM_001080517.3 (MANE Select); coding-DNA position 2662, A replaced by C.
Protein change: p.Met888Leu; replaces methionine 888 with leucine.
Molecular consequence: missense variant.
Genome position (GRCh38, 1-based): chr3:9,464,610, A>C. VCF-style: chr3-9464610-A-C. GRCh37 (hg19) VCF-style: chr3-9506294-A-C.
Other names: c.2368A>C, p.Met790Leu (NM_001292043.2, NM_001349451.2); short protein forms M790L, M888L.
Identifiers: ClinVar variation 2760215 (VCV002760215.3), dbSNP rs551983825, ClinGen allele CA351708154.

ClinVar aggregate classification (germline): Uncertain significance (1 of 4 stars; one submission).

Submission:

Labcorp Genetics (formerly Invitae), Labcorp
Classification: Uncertain significance. Last evaluated: 2023-12-06. Review status: criteria provided, single submitter. Criteria: Invitae Variant Classification Sherloc (09022015). Collection method: clinical testing. Allele origin: germline.
Comment: This sequence change replaces methionine, which is neutral and non-polar, with leucine, which is neutral and non-polar, at codon 888 of the SETD5 protein (p.Met888Leu). This variant is not present in population databases (gnomAD no frequency). This variant has not been reported in the literature in individuals affected with SETD5-related conditions. Advanced modeling of protein sequence and biophysical properties (such as structural, functional, and spatial information, amino acid conservation, physicochemical variation, residue mobility, and thermodynamic stability) performed at Invitae indicates that this missense variant is not expected to disrupt SETD5 protein function with a negative predictive value of 80%. In summary, the available evidence is currently insufficient to determine the role of this variant in disease. Therefore, it has been classified as a Variant of Uncertain Significance.